The following is an entry in ClinVar:

NM_015295.3(SMCHD1):c.2008G>T (p.Asp670Tyr)

Gene: SMCHD1 (structural maintenance of chromosomes flexible hinge domain containing 1; plus strand). Cytogenetic location: 18p11.32.
Variant type: single nucleotide variant.
Coding change: c.2008G>T on transcript NM_015295.3 (MANE Select); coding-DNA position 2008, G replaced by T.
Protein change: p.Asp670Tyr; replaces aspartic acid 670 with tyrosine.
Molecular consequence: missense variant.
Genome position (GRCh38, 1-based): chr18:2,706,415, G>T. VCF-style: chr18-2706415-G-T. GRCh37 (hg19) VCF-style: chr18-2706413-G-T.
Other names: short protein forms D670Y.
Identifiers: ClinVar variation 1299640 (VCV001299640.1), dbSNP rs2143241656, ClinGen allele CA401679849.

ClinVar aggregate classification (germline): Likely pathogenic (1 of 4 stars; one submission).

Conditions:
Facioscapulohumeral muscular dystrophy 2 (FSHD2). Also called: MUSCULAR DYSTROPHY, FACIOSCAPULOHUMERAL, TYPE 1B; FACIOSCAPULOHUMERAL MUSCULAR DYSTROPHY 2, DIGENIC; FSHD2, DIGENIC. Identifiers: Orphanet 269, MedGen C1834671, MONDO:0008031, OMIM 158901.

Submission:

Laboratory of Medical Genetics, National & Kapodistrian University of Athens
Classification: Likely pathogenic for Facioscapulohumeral muscular dystrophy 2. Last evaluated: 2021-10-01. Review status: criteria provided, single submitter. Criteria: ACMG Guidelines, 2015. Collection method: clinical testing. Allele origin: unknown. Affected: yes.
Comment: PM1, PM2, PP2, PP3

Literature cited by the submitters: PubMed 34008892.